The following is an entry in ClinVar:

NM_207361.6(FREM2):c.8885C>T (p.Ala2962Val)

Gene: FREM2 (FRAS1 related extracellular matrix 2; plus strand). Cytogenetic location: 13q13.3.
Variant type: single nucleotide variant.
Coding change: c.8885C>T on transcript NM_207361.6 (MANE Select); coding-DNA position 8885, C replaced by T.
Protein change: p.Ala2962Val; replaces alanine 2962 with valine.
Molecular consequence: missense variant.
Genome position (GRCh38, 1-based): chr13:38,878,856, C>T. VCF-style: chr13-38878856-C-T. GRCh37 (hg19) VCF-style: chr13-39452993-C-T.
Other names: p.Ala2962Val; short protein forms A2962V.
Identifiers: ClinVar variation 235742 (VCV000235742.19), dbSNP rs7996253, ClinGen allele CA6956258.

ClinVar aggregate classification (germline): Benign. Review status: criteria provided, multiple submitters, no conflicts (2 of 4 stars). 5 submissions from 5 submitters: Benign (5). Last evaluated 2026-02-04.

Conditions:
Fraser syndrome 2 (FRASRS2). Identifiers: MedGen C4540036, MONDO:0054738, OMIM 617666.

Allele frequency attached by ClinVar (database versions not stated): gnomAD exomes 0.00176 and 0.00475; ExAC 0.00597; gnomAD 0.01893 and 0.02012; TOPMed 0.02076; 1000 Genomes Project 30x 0.02108; ESP Exome Variant Server 0.02237; 1000 Genomes Project 0.02256.
gnomAD v4.1: 5,546 of 1,614,096 alleles (0.34%); highest among the groups gnomAD compares: African/African-American, 6.6%; 183 homozygotes.

Submissions (10):

Labcorp Genetics (formerly Invitae), Labcorp
Classification: Benign. Last evaluated: 2026-02-04. Review status: criteria provided, single submitter. Criteria: Invitae Variant Classification Sherloc (09022015). Collection method: clinical testing. Allele origin: germline.

Mayo Clinic Laboratories, Mayo Clinic
Classification: Benign. Last evaluated: 2023-04-10. Review status: criteria provided, single submitter. Criteria: ACMG Guidelines, 2015. Collection method: clinical testing. Allele origin: germline. Observed: 1 variant allele.

Illumina Laboratory Services, Illumina
Classification: Benign for Fraser syndrome 2. Last evaluated: 2018-01-13. Review status: criteria provided, single submitter. Criteria: ICSL Variant Classification Criteria 13 December 2019. Collection method: clinical testing. Allele origin: germline.
Comment: This variant was observed in the ICSL laboratory as part of a predisposition screen in an ostensibly healthy population. It had not been previously curated by ICSL or reported in the Human Gene Mutation Database (HGMD: prior to June 1st, 2018), and was therefore a candidate for classification through an automated scoring system. Utilizing variant allele frequency, disease prevalence and penetrance estimates, and inheritance mode, an automated score was calculated to assess if this variant is too frequent to cause the disease. Based on the score and internal cut-off values, a variant classified as benign is not then subjected to further curation. The score for this variant resulted in a classification of benign for this disease.

Center for Pediatric Genomic Medicine, Children's Mercy Hospital and Clinics
Classification: Benign. Last evaluated: 2015-08-19. Review status: criteria provided, single submitter. Criteria: ACMG Guidelines, 2015. Collection method: clinical testing. Allele origin: germline.

Breakthrough Genomics
Classification: Benign. Review status: criteria provided, single submitter. Criteria: ACMG Guidelines, 2015. Collection method: not provided. Allele origin: germline. Inheritance: Autosomal recessive inheritance. Affected: yes.

Dr. Peter K. Rogan Lab, Western University
No classification provided (evidence only). Condition: Clear cell carcinoma of kidney. Review status: no classification provided. Collection method: in vitro. Allele origin: not applicable. Functional consequence: retained intron. Not counted in ClinVar's aggregate classification.

Dr. Peter K. Rogan Lab, Western University
No classification provided (evidence only). Condition: Clear cell carcinoma of kidney. Review status: no classification provided. Collection method: in vitro. Allele origin: not applicable. Functional consequence: retained intron. Not counted in ClinVar's aggregate classification.

Dr. Peter K. Rogan Lab, Western University
No classification provided (evidence only). Condition: Clear cell carcinoma of kidney. Review status: no classification provided. Collection method: in vitro. Allele origin: not applicable. Functional consequence: retained intron. Not counted in ClinVar's aggregate classification.

Dr. Peter K. Rogan Lab, Western University
No classification provided (evidence only). Condition: Uterine corpus endometrial carcinoma. Review status: no classification provided. Collection method: in vitro. Allele origin: not applicable. Functional consequence: retained intron. Not counted in ClinVar's aggregate classification.

Dr. Peter K. Rogan Lab, Western University
No classification provided (evidence only). Condition: Uterine corpus endometrial carcinoma. Review status: no classification provided. Collection method: in vitro. Allele origin: not applicable. Functional consequence: retained intron. Not counted in ClinVar's aggregate classification.